The following is an entry in ClinVar:

ClinVar aggregate classification (germline): Likely benign (0 of 4 stars; one submission).

Conditions:
ADCY3-related disorder. Also called: ADCY3-related condition.

Allele frequency attached by ClinVar (database versions not stated): ExAC 0.00001; gnomAD 0.00001; TOPMed 0.00002; gnomAD exomes 0.00004.
gnomAD v4.1: 55 of 1,614,032 alleles (0.0034%); highest among the groups gnomAD compares: Non-Finnish European, 0.0047%; no homozygotes.

Submission:

PreventionGenetics, part of Exact Sciences
Classification: Likely benign for ADCY3-related condition. Last evaluated: 2021-09-07. Review status: no assertion criteria provided. Collection method: clinical testing. Allele origin: germline.
Comment: This variant is classified as likely benign based on ACMG/AMP sequence variant interpretation guidelines (Richards et al. 2015 PMID: 25741868, with internal and published modifications).

NM_004036.5(ADCY3):c.1827C>T (p.Phe609=)

Gene: ADCY3 (adenylate cyclase 3; minus strand). Cytogenetic location: 2p23.3.
Variant type: single nucleotide variant.
Coding change: c.1827C>T on transcript NM_004036.5 (MANE Select); coding-DNA position 1827, C replaced by T.
Protein change: p.Phe609=; no amino-acid change (phenylalanine 609 retained).
Molecular consequence: synonymous variant.
Genome position (GRCh38, 1-based): chr2:24,834,625, G>A on the plus strand (C>T on the coding strand, the complement: ADCY3 is on the minus strand). VCF-style: chr2-24834625-G-A. GRCh37 (hg19) VCF-style: chr2-25057494-G-A.
Other names: c.1827C>T, p.Phe609= (NM_001320613.2, NM_001377129.1, NM_001377130.1 and 1 more transcripts); c.1893C>T, p.Phe631= (NM_001377128.1); c.1104C>T, p.Phe368= (NM_001377131.1).
Identifiers: ClinVar variation 3045884 (VCV003045884.2), dbSNP rs777975260, ClinGen allele CA1553983.